The following is an entry in ClinVar:

NM_182961.4(SYNE1):c.13800A>G (p.Thr4600=)

Gene: SYNE1 (spectrin repeat containing nuclear envelope protein 1; minus strand). Cytogenetic location: 6q25.2.
Variant type: single nucleotide variant.
Coding change: c.13800A>G on transcript NM_182961.4 (MANE Select); coding-DNA position 13800, A replaced by G.
Protein change: p.Thr4600=; no amino-acid change (threonine 4600 retained).
Molecular consequence: synonymous variant.
Genome position (GRCh38, 1-based): chr6:152,330,885, T>C on the plus strand (A>G on the coding strand, the complement: SYNE1 is on the minus strand). VCF-style: chr6-152330885-T-C. GRCh37 (hg19) VCF-style: chr6-152652020-T-C.
Other names: c.13587A>G, p.Thr4529= (NM_033071.5).
Identifiers: ClinVar variation 285814 (VCV000285814.19), dbSNP rs184264920, ClinGen allele CA4056118.

ClinVar aggregate classification (germline): Conflicting classifications of pathogenicity. Review status: criteria provided, conflicting classifications (1 of 4 stars). 4 submissions from 3 submitters: Uncertain significance (2); Benign (1); Likely benign (1). Last evaluated 2024-06-14.

Conditions:
Autosomal recessive ataxia, Beauce type. Also called: Spinocerebellar ataxia, autosomal recessive 8; ATAXIA, RECESSIVE, OF BEAUCE; SYNE1 Deficiency; SYNE1-Related Autosomal Recessive Cerebellar Ataxia. Identifiers: Orphanet 88644, MedGen C1853116, MONDO:0012549, OMIM 610743.
Emery-Dreifuss muscular dystrophy 4, autosomal dominant (EDMD4). Also called: EMERY-DREIFUSS MUSCULAR DYSTROPHY 4 WITH VARIABLE FEATURES. Identifiers: Orphanet 261, MedGen C2751807, MONDO:0013071, OMIM 612998.

Allele frequency attached by ClinVar (database versions not stated): ExAC 0.00002; gnomAD exomes 0.00002; gnomAD 0.00011 and 0.00012; 1000 Genomes Project 0.00060; 1000 Genomes Project 30x 0.00062.
gnomAD v4.1: 48 of 1,614,106 alleles (0.003%); highest among the groups gnomAD compares: Admixed American, 0.032%; no homozygotes.

Submissions (4):

Labcorp Genetics (formerly Invitae), Labcorp
Classification: Likely benign for Emery-Dreifuss muscular dystrophy 4, autosomal dominant; Autosomal recessive ataxia, Beauce type. Last evaluated: 2024-06-14. Review status: criteria provided, single submitter. Criteria: Invitae Variant Classification Sherloc (09022015). Collection method: clinical testing. Allele origin: germline.

Illumina Laboratory Services, Illumina
Classification: Uncertain significance for Autosomal recessive ataxia, Beauce type. Last evaluated: 2018-03-16. Review status: criteria provided, single submitter. Criteria: ICSL Variant Classification Criteria 13 December 2019. Collection method: clinical testing. Allele origin: germline.

Illumina Laboratory Services, Illumina
Classification: Benign for Emery-Dreifuss muscular dystrophy 4, autosomal dominant. Last evaluated: 2018-03-14. Review status: criteria provided, single submitter. Criteria: ICSL Variant Classification Criteria 13 December 2019. Collection method: clinical testing. Allele origin: germline.
Comment: This variant was observed in the ICSL laboratory as part of a predisposition screen in an ostensibly healthy population. It had not been previously curated by ICSL or reported in the Human Gene Mutation Database (HGMD: prior to June 1st, 2018), and was therefore a candidate for classification through an automated scoring system. Utilizing variant allele frequency, disease prevalence and penetrance estimates, and inheritance mode, an automated score was calculated to assess if this variant is too frequent to cause the disease. Based on the score and internal cut-off values, a variant classified as benign is not then subjected to further curation. The score for this variant resulted in a classification of benign for this disease.

Eurofins Ntd Llc (ga)
Classification: Uncertain significance. Last evaluated: 2016-01-22. Review status: criteria provided, single submitter. Criteria: EGL Classification Definitions 2015. Collection method: clinical testing. Allele origin: germline. Observed: 2 variant alleles, 2 heterozygotes.